The following is an entry in ClinVar:

ClinVar aggregate classification (germline): Likely pathogenic (1 of 4 stars; one submission).

Conditions:
Neurodevelopmental disorder with or without early-onset generalized epilepsy. Identifiers: MedGen C5436914, MONDO:0030930, OMIM 619157.

Submission:

Victorian Clinical Genetics Services, Murdoch Childrens Research Institute
Classification: Likely pathogenic for Neurodevelopmental disorder with or without early-onset generalized epilepsy. Last evaluated: 2025-10-22. Review status: criteria provided, single submitter. Criteria: ACMG Guidelines, 2015. Collection method: clinical testing. Allele origin: germline. Affected: yes.
Comment: This variant is classified as Likely pathogenic. Evidence in support of pathogenic classification: Variant is absent from gnomAD (v2, v3 and v4); Additional information: Variant is predicted to result in a missense amino acid change from Ile to Val; This variant is heterozygous; This gene is associated with autosomal dominant disease; This variant has no previous evidence of pathogenicity; No published evidence of segregation with disease has been identified for this variant; No published functional evidence has been identified for this variant; No comparable missense variants have previous evidence for pathogenicity; Variant is not located in an established domain, motif, hotspot or informative constraint region; Missense variant with inconclusive in silico prediction and uninformative conservation; Loss of function is a known mechanism of disease in this gene and is associated with neurodevelopmental disorder with or without early-onset generalised epilepsy (MIM#619157).

NM_001385012.1(NBEA):c.5854A>G (p.Ile1952Val)

Gene: NBEA (neurobeachin; plus strand). Cytogenetic location: 13q13.3.
Variant type: single nucleotide variant.
Coding change: c.5854A>G on transcript NM_001385012.1 (MANE Select); coding-DNA position 5854, A replaced by G.
Protein change: p.Ile1952Val; replaces isoleucine 1952 with valine.
Molecular consequence: missense variant.
Genome position (GRCh38, 1-based): chr13:35,309,543, A>G. VCF-style: chr13-35309543-A-G. GRCh37 (hg19) VCF-style: chr13-35883680-A-G.
Other names: c.5845A>G, p.Ile1949Val (NM_001379245.1); c.5854A>G, p.Ile1952Val (NM_015678.5); short protein forms I1949V, I1952V.
Identifiers: ClinVar variation 4531455 (VCV004531455.1).